The following is an entry in ClinVar:

ClinVar aggregate classification (germline): Uncertain significance. Review status: criteria provided, multiple submitters, no conflicts (2 of 4 stars). 2 submissions from 2 submitters: Uncertain significance (2). Last evaluated 2025-08-08.

Allele frequency attached by ClinVar (database versions not stated): ExAC 0.00002; ESP Exome Variant Server 0.00008; TOPMed 0.00027; 1000 Genomes Project 0.00040; 1000 Genomes Project 30x 0.00047.
gnomAD v4.1: 45 of 1,614,178 alleles (0.0028%); highest among the groups gnomAD compares: African/African-American, 0.039%; no homozygotes.

Submissions (2):

Ambry Genetics
Classification: Uncertain significance. Last evaluated: 2025-08-08. Review status: criteria provided, single submitter. Criteria: Ambry Variant Classification Scheme 2023. Collection method: clinical testing. Allele origin: germline.

Labcorp Genetics (formerly Invitae), Labcorp
Classification: Uncertain significance. Last evaluated: 2023-01-26. Review status: criteria provided, single submitter. Criteria: Invitae Variant Classification Sherloc (09022015). Collection method: clinical testing. Allele origin: germline.
Comment: In summary, the available evidence is currently insufficient to determine the role of this variant in disease. Therefore, it has been classified as a Variant of Uncertain Significance. Algorithms developed to predict the effect of missense changes on protein structure and function (SIFT, PolyPhen-2, Align-GVGD) all suggest that this variant is likely to be tolerated. This variant has not been reported in the literature in individuals affected with SLC13A3-related conditions. This variant is present in population databases (rs377596816, gnomAD 0.03%). This sequence change replaces methionine, which is neutral and non-polar, with arginine, which is basic and polar, at codon 582 of the SLC13A3 protein (p.Met582Arg).

NM_022829.6(SLC13A3):c.1745T>G (p.Met582Arg)

Gene: SLC13A3 (solute carrier family 13 member 3; minus strand). Cytogenetic location: 20q13.12.
Variant type: single nucleotide variant.
Coding change: c.1745T>G on transcript NM_022829.6 (MANE Select); coding-DNA position 1745, T replaced by G.
Protein change: p.Met582Arg; replaces methionine 582 with arginine.
Molecular consequence: missense variant.
Genome position (GRCh38, 1-based): chr20:46,560,086, A>C on the plus strand (T>G on the coding strand, the complement: SLC13A3 is on the minus strand). VCF-style: chr20-46560086-A-C. GRCh37 (hg19) VCF-style: chr20-45188725-A-C.
Other names: c.1745T>G (NM_022829.5); c.1604T>G, p.Met535Arg (NM_001011554.3); c.1595T>G, p.Met532Arg (NM_001193339.2); c.1499T>G, p.Met500Arg (NM_001193340.2); c.1451T>G, p.Met484Arg (NM_001193342.2); short protein forms M484R, M500R, M535R, M532R, M582R.
Identifiers: ClinVar variation 3015203 (VCV003015203.2), dbSNP rs377596816, ClinGen allele CA9891161.
Genomic context (GRCh38, chr20:46,560,086, plus strand): 5'-AGGGTCCGAAATGTGTCATTGGCCAAGGTGGGTGGCAATGCTGTGACATTGACCGAGTAC[A>C]TATCAGCCCAGTCCGGGAAGGTGCCCAGCTGGAAGATGGTCTGTGCCCAGGTATTCATAG-3'
Protein context (NP_073740.2, residues 572-592): QLGTFPDWAD[Met582Arg]YSVNVTALPP